The following is an entry in ClinVar:

NM_019098.5(CNGB3):c.1782-3C>T

Gene: CNGB3 (cyclic nucleotide gated channel subunit beta 3; minus strand). Cytogenetic location: 8q21.3.
Variant type: single nucleotide variant.
Coding change: c.1782-3C>T on transcript NM_019098.5 (MANE Select); 3 bases into the intron before coding-DNA position 1782, C replaced by T.
Molecular consequence: intron variant.
Genome position (GRCh38, 1-based): chr8:86,579,255, G>A on the plus strand (C>T on the coding strand, the complement: CNGB3 is on the minus strand). VCF-style: chr8-86579255-G-A. GRCh37 (hg19) VCF-style: chr8-87591483-G-A.
Identifiers: ClinVar variation 1465563 (VCV001465563.3), dbSNP rs1006110512, ClinGen allele CA180333711.

ClinVar aggregate classification (germline): Uncertain significance (1 of 4 stars; one submission).

Allele frequency attached by ClinVar (database versions not stated): gnomAD 0.00001 and 0.00002; gnomAD exomes 0.00001; TOPMed 0.00002.
gnomAD v4.1: 7 of 1,613,724 alleles (0.00043%); highest among the groups gnomAD compares: Middle Eastern, 0.016%; no homozygotes.

Submission:

Labcorp Genetics (formerly Invitae), Labcorp
Classification: Uncertain significance. Last evaluated: 2022-07-19. Review status: criteria provided, single submitter. Criteria: Invitae Variant Classification Sherloc (09022015). Collection method: clinical testing. Allele origin: germline.
Comment: This sequence change falls in intron 15 of the CNGB3 gene. It does not directly change the encoded amino acid sequence of the CNGB3 protein. It affects a nucleotide within the consensus splice site. This variant is not present in population databases (gnomAD no frequency). This variant has not been reported in the literature in individuals affected with CNGB3-related conditions. ClinVar contains an entry for this variant (Variation ID: 1465563). Variants that disrupt the consensus splice site are a relatively common cause of aberrant splicing (PMID: 17576681, 9536098). Algorithms developed to predict the effect of sequence changes on RNA splicing suggest that this variant is not likely to affect RNA splicing. In summary, the available evidence is currently insufficient to determine the role of this variant in disease. Therefore, it has been classified as a Variant of Uncertain Significance.

Literature cited by the submitters: PubMed 17576681; PubMed 9536098.